The following is an entry in ClinVar:

ClinVar aggregate classification (germline): Pathogenic (1 of 4 stars; one submission).

Conditions:
Marfan syndrome (MFS). Also called: MARFAN SYNDROME, TYPE I; FBN1-Related Marfan Syndrome; Marfan syndrome type 1; Marfan's syndrome; Marfan syndrome, classic. Identifiers: Orphanet 284963, Orphanet 558, MedGen C0024796, MONDO:0007947, OMIM 154700.
Familial thoracic aortic aneurysm and aortic dissection (TAAD). Also called: Thoracic aortic aneurysms and dissections. Identifiers: Orphanet 91387, MedGen C4707243, MONDO:0019625.

Submission:

Labcorp Genetics (formerly Invitae), Labcorp
Classification: Pathogenic for Marfan syndrome; Familial thoracic aortic aneurysm and aortic dissection. Last evaluated: 2017-02-28. Review status: criteria provided, single submitter. Criteria: Invitae Variant Classification Sherloc (09022015). Collection method: clinical testing. Allele origin: germline.
Comment: This sequence change creates a premature translational stop signal at codon 2667 (p.Glu2667*) of the FBN1 gene. It is expected to result in an absent or disrupted protein product. Loss-of-function variants in FBN1 are known to be pathogenic. This particular variant has been reported in the literature in an individual affected with Marfan syndrome (PMID: 25652356). For these reasons, this variant has been classified as Pathogenic.

Literature cited by the submitters: PubMed 25652356.

NM_000138.5(FBN1):c.7999G>T (p.Glu2667Ter)

Gene: FBN1 (fibrillin 1; minus strand). Cytogenetic location: 15q21.1.
Variant type: single nucleotide variant.
Coding change: c.7999G>T on transcript NM_000138.5 (MANE Select); coding-DNA position 7999, G replaced by T.
Protein change: p.Glu2667Ter; replaces glutamic acid 2667 with a stop codon.
Molecular consequence: nonsense.
Genome position (GRCh38, 1-based): chr15:48,415,588, C>A on the plus strand (G>T on the coding strand, the complement: FBN1 is on the minus strand). VCF-style: chr15-48415588-C-A. GRCh37 (hg19) VCF-style: chr15-48707785-C-A.
Other names: short protein forms E2667*.
Identifiers: ClinVar variation 457266 (VCV000457266.8), dbSNP rs149062442, ClinGen allele CA392322717.